The following is an entry in ClinVar:

ClinVar aggregate classification (germline): Uncertain significance (1 of 4 stars; one submission).

Conditions:
Familial thoracic aortic aneurysm and aortic dissection (TAAD). Also called: Thoracic aortic aneurysms and dissections. Identifiers: Orphanet 91387, MedGen C4707243, MONDO:0019625.

gnomAD v4.1: 1 of 1,599,082 alleles (0.000063%); highest among the groups gnomAD compares: African/African-American, 0.0013%; no homozygotes.

Submission:

Ambry Genetics
Classification: Uncertain significance for Familial thoracic aortic aneurysm and aortic dissection. Last evaluated: 2024-12-12. Review status: criteria provided, single submitter. Criteria: Ambry Variant Classification Scheme 2023. Collection method: clinical testing. Allele origin: germline.
Comment: The c.3624T>C variant (also known as p.L1208L), located in coding exon 46 of the COL5A1 gene, results from a T to C substitution at nucleotide position 3624. This nucleotide substitution does not change the leucine at codon 1208. This nucleotide position is poorly conserved in available vertebrate species. In silico splice site analysis for this alteration is inconclusive. Based on the available evidence, the clinical significance of this variant remains unclear.

NM_000093.5(COL5A1):c.3624T>C (p.Leu1208=)

Gene: COL5A1 (collagen type V alpha 1 chain; plus strand). Cytogenetic location: 9q34.3.
Variant type: single nucleotide variant.
Coding change: c.3624T>C on transcript NM_000093.5 (MANE Select); coding-DNA position 3624, T replaced by C.
Protein change: p.Leu1208=; no amino-acid change (leucine 1208 retained).
Molecular consequence: synonymous variant.
Genome position (GRCh38, 1-based): chr9:134,811,533, T>C. VCF-style: chr9-134811533-T-C. GRCh37 (hg19) VCF-style: chr9-137703379-T-C.
Other names: c.3624T>C, p.Leu1208= (NM_001278074.1).
Identifiers: ClinVar variation 3835304 (VCV003835304.1).
Genomic context (GRCh38, chr9:134,811,533, plus strand): 5'-GCCGGTTATTTCCCTGCAGGGAGCTGACGGCGAGCCGGGGCCTCGGGGCCAGCAGGGCCT[T>C]TTCGGGCAGAAAGGTGATGAAGGTCCCAGAGGCTTTCCTGGACCCCCTGGGCCAGTGGGG-3'
Protein context (NP_000084.3, residues 1198-1218): GEPGPRGQQG[Leu1208=]FGQKGDEGPR